The following is an entry in ClinVar:

ClinVar aggregate classification (germline): Uncertain significance (1 of 4 stars; one submission).

Conditions:
CTCF-related disorder. Also called: CTCF-related condition. Identifiers: MedGen CN381101.

Submission:

PreventionGenetics, part of Exact Sciences
Classification: Uncertain significance for CTCF-related condition. Last evaluated: 2025-03-14. Review status: criteria provided, single submitter. Criteria: ACMG Guidelines, 2015. Collection method: clinical testing. Allele origin: germline.
Comment: The CTCF c.1841A>G variant is predicted to result in the amino acid substitution p.Asn614Ser. To our knowledge, this variant has not been reported in the literature or in a large population database (gnomAD), indicating this variant is rare. At this time, the clinical significance of this variant is uncertain due to the absence of conclusive functional and genetic evidence.

NM_006565.4(CTCF):c.1841A>G (p.Asn614Ser)

Gene: CTCF (CCCTC-binding factor; plus strand). Cytogenetic location: 16q22.1.
Variant type: single nucleotide variant.
Coding change: c.1841A>G on transcript NM_006565.4 (MANE Select); coding-DNA position 1841, A replaced by G.
Protein change: p.Asn614Ser; replaces asparagine 614 with serine.
Molecular consequence: missense variant.
Genome position (GRCh38, 1-based): chr16:67,636,693, A>G. VCF-style: chr16-67636693-A-G. GRCh37 (hg19) VCF-style: chr16-67670596-A-G.
Other names: c.857A>G, p.Asn286Ser (NM_001191022.2); c.1841A>G, p.Asn614Ser (NM_001363916.2, NM_001438968.1, NM_001438969.1); short protein forms N614S, N286S.
Identifiers: ClinVar variation 5001983 (VCV005001983.1).